The following is an entry in ClinVar:

NM_007194.4(CHEK2):c.1323C>T (p.Thr441=)

Gene: CHEK2 (checkpoint kinase 2; minus strand). Cytogenetic location: 22q12.1.
Variant type: single nucleotide variant.
Coding change: c.1323C>T on transcript NM_007194.4 (MANE Select); coding-DNA position 1323, C replaced by T.
Protein change: p.Thr441=; no amino-acid change (threonine 441 retained).
Molecular consequence: synonymous variant.
Genome position (GRCh38, 1-based): chr22:28,695,179, G>A on the plus strand (C>T on the coding strand, the complement: CHEK2 is on the minus strand). VCF-style: chr22-28695179-G-A. GRCh37 (hg19) VCF-style: chr22-29091167-G-A.
Other names: c.1452C>T, p.Thr484= (NM_001005735.3); c.660C>T, p.Thr220= (NM_001257387.3); c.1122C>T, p.Thr374= (NM_001349956.3); c.1236C>T, p.Thr412= (NM_145862.3).
Identifiers: ClinVar variation 184614 (VCV000184614.22), dbSNP rs753839004, ClinGen allele CA189468.

ClinVar aggregate classification (germline): Conflicting classifications of pathogenicity. Review status: criteria provided, conflicting classifications (1 of 4 stars). 7 submissions from 7 submitters: Uncertain significance (1); Benign (1); Likely benign (5). Last evaluated 2025-11-09.

Conditions:
Hereditary cancer-predisposing syndrome. Also called: Hereditary neoplastic syndrome; Neoplastic Syndromes, Hereditary; Tumor predisposition; Hereditary Cancer Syndrome. Identifiers: Orphanet 140162, MedGen C0027672, MeSH D009386, MONDO:0015356.
Familial cancer of breast. Also called: BREAST CANCER, FAMILIAL; Hereditary breast cancer; hereditary breast carcinoma. Identifiers: Orphanet 227535, MedGen C0346153, MONDO:0016419, OMIM 114480. Disease mechanism: loss of function.

Allele frequency attached by ClinVar (database versions not stated): ExAC 0.00001; gnomAD exomes 0.00001 and 0.00002; TOPMed 0.00001; gnomAD 0.00003.
gnomAD v4.1: 7 of 1,613,460 alleles (0.00043%); highest among the groups gnomAD compares: Admixed American, 0.01%; no homozygotes.

Submissions (7):

Labcorp Genetics (formerly Invitae), Labcorp
Classification: Likely benign for Familial cancer of breast. Last evaluated: 2025-11-09. Review status: criteria provided, single submitter. Criteria: Invitae Variant Classification Sherloc (09022015). Collection method: clinical testing. Allele origin: germline.

Women's Health and Genetics/Laboratory Corporation of America, LabCorp
Classification: Likely benign. Last evaluated: 2025-10-21. Review status: criteria provided, single submitter. Criteria: LabCorp Variant Classification Summary - May 2015. Collection method: clinical testing. Allele origin: germline.

Myriad Genetics, Inc.
Classification: Benign for Familial cancer of breast. Last evaluated: 2024-10-08. Review status: criteria provided, single submitter. Criteria: Myriad Autosomal Dominant, Autosomal Recessive and X-Linked Classification Criteria (2023). Collection method: clinical testing. Allele origin: unknown.
Comment: This variant is considered benign. This variant is a silent/synonymous amino acid change and it is not expected to impact splicing.

Quest Diagnostics Nichols Institute San Juan Capistrano
Classification: Uncertain significance. Last evaluated: 2024-07-23. Review status: criteria provided, single submitter. Criteria: Quest Diagnostics criteria. Collection method: clinical testing. Allele origin: unknown.
Comment: The CHEK2 c.1323C>T (p.Thr441=) synonymous variant has not been reported in individuals with CHEK2-related conditions in the published literature. The frequency of this variant in the general population, 0.00017 (6/35432 chromosomes (Genome Aggregation Database)), is uninformative in the assessment of its pathogenicity. Analysis of this variant using software algorithms for the prediction of the effect of nucleotide changes on splicing yielded predictions that this variant does not affect CHEK2 mRNA splicing. Based on the available information, we are unable to determine the clinical significance of this variant.

Color Diagnostics, LLC DBA Color Health
Classification: Likely benign for Hereditary cancer-predisposing syndrome. Last evaluated: 2018-10-09. Review status: criteria provided, single submitter. Criteria: ACMG Guidelines, 2015. Collection method: clinical testing. Allele origin: germline.

Ambry Genetics
Classification: Likely benign for Hereditary cancer-predisposing syndrome. Last evaluated: 2017-05-05. Review status: criteria provided, single submitter. Criteria: Ambry Variant Classification Scheme 2023. Collection method: clinical testing. Allele origin: germline.

GeneDx
Classification: Likely benign. Last evaluated: 2016-11-09. Review status: criteria provided, single submitter. Criteria: GeneDx Variant Classification (06012015). Collection method: clinical testing. Allele origin: germline. Affected: yes.
Comment: This variant is considered likely benign or benign based on one or more of the following criteria: it is a conservative change, it occurs at a poorly conserved position in the protein, it is predicted to be benign by multiple in silico algorithms, and/or has population frequency not consistent with disease.